The following is an entry in ClinVar:

NM_033127.4(SEC16B):c.38G>A (p.Arg13Gln)

Genes: CRYZL2P-SEC16B (CRYZL2P-SEC16B readthrough; minus strand), SEC16B (SEC16 homolog B, endoplasmic reticulum export factor; minus strand). Cytogenetic location: 1q25.2.
Variant type: single nucleotide variant.
Coding change: c.38G>A on transcript NM_033127.4 (MANE Select); coding-DNA position 38, G replaced by A.
Protein change: p.Arg13Gln; replaces arginine 13 with glutamine.
Molecular consequence: missense variant. On other transcripts: non-coding transcript variant (1).
Genome position (GRCh38, 1-based): chr1:177,967,944, C>T on the plus strand (G>A on the coding strand, the complement: SEC16B is on the minus strand). VCF-style: chr1-177967944-C-T. GRCh37 (hg19) VCF-style: chr1-177937079-C-T.
Other names: c.38G>A, p.Arg13Gln (NM_001356505.2, NM_001356506.2, NM_001356499.2 and 3 more transcripts); short protein forms R13Q.
Identifiers: ClinVar variation 3024863 (VCV003024863.23), dbSNP rs189562621, ClinGen allele CA1261232.

ClinVar aggregate classification (germline): Benign/Likely benign. Review status: criteria provided, multiple submitters, no conflicts (2 of 4 stars). 2 submissions from 2 submitters: Benign (1); Likely benign (1). Last evaluated 2025-02-16.

Allele frequency attached by ClinVar (database versions not stated): gnomAD exomes 0.00064; ExAC 0.00092; 1000 Genomes Project 0.00140; 1000 Genomes Project 30x 0.00187; ESP Exome Variant Server 0.00247; gnomAD 0.00297; TOPMed 0.00320.
gnomAD v4.1: 1,389 of 1,613,060 alleles (0.086%); highest among the groups gnomAD compares: African/African-American, 0.96%; 6 homozygotes.

Submissions (2):

Laboratory of Genetics, Children's Clinical University Hospital Latvia
Classification: Benign. Last evaluated: 2025-02-16. Review status: criteria provided, single submitter. Criteria: ACMG Guidelines, 2015. Collection method: clinical testing. Allele origin: germline. Affected: yes.

CeGaT Center for Human Genetics Tuebingen
Classification: Likely benign. Last evaluated: 2024-02-01. Review status: criteria provided, single submitter. Criteria: CeGaT Center For Human Genetics Tuebingen Variant Classification Criteria Version 2. Collection method: clinical testing. Allele origin: germline. Affected: yes. Observed: 1 variant allele.
Comment: CRYZL2P-SEC16B: BP4, BS2; SEC16B: BP4, BS2